The following is an entry in ClinVar:

NM_201384.3(PLEC):c.602+17G>A

Gene: PLEC (plectin; minus strand). Cytogenetic location: 8q24.3.
Variant type: single nucleotide variant.
Coding change: c.602+17G>A on transcript NM_201384.3 (MANE Select); 17 bases into the intron after coding-DNA position 602, G replaced by A.
Molecular consequence: intron variant.
Genome position (GRCh38, 1-based): chr8:143,935,831, C>T on the plus strand (G>A on the coding strand, the complement: PLEC is on the minus strand). VCF-style: chr8-143935831-C-T. GRCh37 (hg19) VCF-style: chr8-145009999-C-T.
Other names: c.683+17G>A (NM_000445.5); c.560+17G>A (NM_201378.4); c.536+17G>A (NM_201379.3); c.1013+17G>A (NM_201380.4); c.506+17G>A (NM_201381.3); c.602+17G>A (NM_201382.4); c.614+17G>A (NM_201383.3).
Identifiers: ClinVar variation 508037 (VCV000508037.12), dbSNP rs371443910, ClinGen allele CA4928389.

ClinVar aggregate classification (germline): Likely benign. Review status: criteria provided, multiple submitters, no conflicts (2 of 4 stars). 5 submissions from 5 submitters: Likely benign (5). Last evaluated 2026-01-30.

Conditions:
Epidermolysis bullosa simplex 5C, with pyloric atresia (EBS5C). Also called: PLEC-Related Epidermolysis Bullosa with Pyloric Atresia; Epidermolysis bullosa simplex with pyloric atresia; PLEC1-Related Epidermolysis Bullosa with Pyloric Atresia. Identifiers: Orphanet 158684, MedGen C2677349, MONDO:0012807, OMIM 612138.
Epidermolysis bullosa simplex with nail dystrophy (EBS5D). Identifiers: MedGen C4225309, MONDO:0014661, OMIM 616487.
Epidermolysis bullosa simplex, Ogna type (EBS5A). Also called: Pidermolysis bullosa simplex 5A, Ogna type; EPIDERMOLYSIS BULLOSA SIMPLEX 5A, OGNA TYPE. Identifiers: Orphanet 79401, MedGen C0432317, MONDO:0007555, OMIM 131950.
Autosomal recessive limb-girdle muscular dystrophy type 2Q (LGMDR17). Also called: MUSCULAR DYSTROPHY, LIMB-GIRDLE, AUTOSOMAL RECESSIVE 17. Identifiers: Orphanet 254361, MedGen C3150989, MONDO:0013390, OMIM 613723.
Epidermolysis bullosa simplex 5B, with muscular dystrophy (EBS5B). Also called: EPIDERMOLYSIS BULLOSA SIMPLEX AND LIMB-GIRDLE MUSCULAR DYSTROPHY; Epidermolysis bullosa simplex with muscular dystrophy. Identifiers: Orphanet 257, MedGen C2931072, MONDO:0009181, OMIM 226670.

Allele frequency attached by ClinVar (database versions not stated): TOPMed 0.00006; ESP Exome Variant Server 0.00008; ExAC 0.00014; gnomAD 0.00003.
gnomAD v4.1: 94 of 1,611,790 alleles (0.0058%); highest among the groups gnomAD compares: Middle Eastern, 0.23%; 1 homozygote.

Submissions (5):

Labcorp Genetics (formerly Invitae), Labcorp
Classification: Likely benign for Autosomal recessive limb-girdle muscular dystrophy type 2Q; Epidermolysis bullosa simplex, Ogna type; Epidermolysis bullosa simplex with nail dystrophy; Epidermolysis bullosa simplex 5C, with pyloric atresia; Epidermolysis bullosa simplex 5B, with muscular dystrophy. Last evaluated: 2026-01-30. Review status: criteria provided, single submitter. Criteria: Invitae Variant Classification Sherloc (09022015). Collection method: clinical testing. Allele origin: germline.

Genomic Medicine Center of Excellence, King Faisal Specialist Hospital and Research Centre
Classification: Likely benign. Last evaluated: 2025-08-18. Review status: criteria provided, single submitter. Criteria: ACMG Guidelines, 2015. Collection method: clinical testing. Allele origin: germline.

Blueprint Genetics
Classification: Likely benign. Last evaluated: 2024-01-09. Review status: criteria provided, single submitter. Criteria: ACMG Guidelines, 2015. Collection method: clinical testing. Allele origin: germline.

GeneDx
Classification: Likely benign. Last evaluated: 2017-03-17. Review status: criteria provided, single submitter. Criteria: GeneDx Variant Classification (06012015). Collection method: clinical testing. Allele origin: germline. Affected: yes.
Comment: This variant is considered likely benign or benign based on one or more of the following criteria: it is a conservative change, it occurs at a poorly conserved position in the protein, it is predicted to be benign by multiple in silico algorithms, and/or has population frequency not consistent with disease.

Breakthrough Genomics
Classification: Likely benign. Review status: criteria provided, single submitter. Criteria: ACMG Guidelines, 2015. Collection method: not provided. Allele origin: germline. Inheritance: Autosomal recessive inheritance. Affected: yes.